The following is an entry in ClinVar:

NM_001854.4(COL11A1):c.154G>C (p.Glu52Gln)

Gene: COL11A1 (collagen type XI alpha 1 chain; minus strand). Cytogenetic location: 1p21.1.
Variant type: single nucleotide variant.
Coding change: c.154G>C on transcript NM_001854.4 (MANE Select); coding-DNA position 154, G replaced by C.
Protein change: p.Glu52Gln; replaces glutamic acid 52 with glutamine.
Molecular consequence: missense variant. On other transcripts: non-coding transcript variant (1).
Genome position (GRCh38, 1-based): chr1:103,082,925, C>G on the plus strand (G>C on the coding strand, the complement: COL11A1 is on the minus strand). VCF-style: chr1-103082925-C-G. GRCh37 (hg19) VCF-style: chr1-103548481-C-G.
Other names: c.154G>C, p.Glu52Gln (NM_001190709.2, NM_080629.3, NM_080630.4); short protein forms E52Q.
Identifiers: ClinVar variation 4999680 (VCV004999680.1).
Genomic context (GRCh38, chr1:103,082,925, plus strand): 5'-TATCTGAGCCTTTAGAATTCTTTCTGTTTGTGCAAAATCCCGTTGTTTTTGATATTCCCT[C>G]TGGAGAATTGTGAAAATCTAGTGCTTTTAGTACATCAACTGGAGCAGCTGAAAAATAAGC-3'
Protein context (NP_001845.3, residues 42-62): LKALDFHNSP[Glu52Gln]GISKTTGFCT

ClinVar aggregate classification (germline): Uncertain significance (1 of 4 stars; one submission).

Conditions:
COL11A1-related disorder. Also called: COL11A1-related condition; COL11A1-related disorders.

gnomAD v4.1: 6 of 1,613,254 alleles (0.00037%); highest among the groups gnomAD compares: Admixed American, 0.0083%; no homozygotes.

Submission:

PreventionGenetics, part of Exact Sciences
Classification: Uncertain significance for COL11A1-related condition. Last evaluated: 2026-05-27. Review status: criteria provided, single submitter. Criteria: ACMG Guidelines, 2015. Collection method: clinical testing. Allele origin: germline.
Comment: The COL11A1 c.154G>C variant is predicted to result in the amino acid substitution p.Glu52Gln. To our knowledge, this variant has not been reported in the literature. This variant is reported in 0.014% of alleles in individuals of Latino descent in gnomAD. At this time, the clinical significance of this variant is uncertain due to the absence of conclusive functional and genetic evidence.